The following is an entry in ClinVar:

ClinVar aggregate classification (germline): Pathogenic. Review status: criteria provided, multiple submitters, no conflicts (2 of 4 stars). 2 submissions from 2 submitters: Pathogenic (2). Last evaluated 2026-03-25.

Conditions:
Hereditary spastic paraplegia 15 (SPG15). Also called: SPASTIC PARAPLEGIA 15, AUTOSOMAL RECESSIVE; KJELLIN SYNDROME; SPASTIC PARAPLEGIA AND RETINAL DEGENERATION. Identifiers: Orphanet 100996, MedGen C1849128, MONDO:0010044, OMIM 270700.
Hereditary spastic paraplegia. Also called: Familial spastic paraparesis. Identifiers: Orphanet 685, MedGen C0037773, MONDO:0019064. Disease mechanism: loss of function.

Submissions (2):

Myriad Genetics, Inc.
Classification: Pathogenic for Hereditary spastic paraplegia 15. Last evaluated: 2026-03-25. Review status: criteria provided, single submitter. Criteria: Myriad Autosomal Dominant, Autosomal Recessive and X-Linked Classification Criteria (2023). Collection method: clinical testing. Allele origin: unknown.
Comment: NM_015346.3(ZFYVE26):c.2609_2633del25(M870Kfs*6) is a frameshift variant classified as pathogenic in the context of spastic paraplegia type 15. M870Kfs*6 has been observed in a case with relevant disease (PMID: 36315648). Relevant functional assessments of this variant are not available in the literature. M870Kfs*6 has not been observed in referenced population frequency databases. In summary, NM_015346.3(ZFYVE26):c.2609_2633del25(M870Kfs*6) is a frameshift variant in a gene where loss of function is a known mechanism of disease, is predicted to disrupt protein function, and has been observed more frequently in cases with the relevant disease than in healthy populations. Please note: this variant was assessed in the context of healthy population screening.

Genome Diagnostics Laboratory, The Hospital for Sick Children
Classification: Pathogenic for Hereditary spastic paraplegia. Last evaluated: 2021-07-16. Review status: criteria provided, single submitter. Criteria: ACMG Guidelines, 2015. Collection method: clinical testing. Allele origin: germline. Affected: yes.

Literature cited by the submitters: PubMed 36315648 (cited by Myriad Genetics, Inc.).

NM_015346.4(ZFYVE26):c.2609_2633del (p.Met870fs)

Gene: ZFYVE26 (zinc finger FYVE-type containing 26; minus strand). Cytogenetic location: 14q24.1.
Variant type: Deletion.
Coding change: c.2609_2633del on transcript NM_015346.4 (MANE Select); coding-DNA positions 2609 to 2633, 25 bases deleted (TGGAGCGCTACCAGGAAGTGATCCA).
Protein change: p.Met870fs; shifts the reading frame from methionine 870.
Molecular consequence: frameshift variant.
Genome position (GRCh38, 1-based): chr14:67,790,694-67,790,718, TGGATCACTTCCTGGTAGCGCTCCA deleted on the plus strand (TGGAGCGCTACCAGGAAGTGATCCA on the coding strand, the reverse complement: ZFYVE26 is on the minus strand); deleting any 25 consecutive bases within chr14:67,790,694-67,790,720 gives the same sequence; the c. name uses the placement nearest the transcript's 3' end. VCF-style (leftmost placement, unchanged base first): chr14-67790693-TTGGATCACTTCCTGGTAGCGCTCCA-T. GRCh37 (hg19) VCF-style: chr14-68257410-TTGGATCACTTCCTGGTAGCGCTCCA-T.
Other names: short protein forms M870fs.
Identifiers: ClinVar variation 1344188 (VCV001344188.4), dbSNP rs2140234090, ClinGen allele CA2573053940.